The following is an entry in ClinVar:

ClinVar aggregate classification (germline): Uncertain significance (1 of 4 stars; one submission).

gnomAD v4.1: 57 of 1,607,258 alleles (0.0035%); highest among the groups gnomAD compares: East Asian, 0.09%; no homozygotes.

Submission:

GeneDx
Classification: Uncertain significance. Last evaluated: 2025-01-03. Review status: criteria provided, single submitter. Criteria: GeneDx Variant Classification Process June 2021. Collection method: clinical testing. Allele origin: germline. Affected: yes.
Comment: In silico analysis indicates that this missense variant does not alter protein structure/function; Has not been previously published as pathogenic or benign to our knowledge

NM_001080453.3(INTS1):c.4069C>T (p.Leu1357Phe)

Gene: INTS1 (integrator complex subunit 1; minus strand). Cytogenetic location: 7p22.3.
Variant type: single nucleotide variant.
Coding change: c.4069C>T on transcript NM_001080453.3 (MANE Select); coding-DNA position 4069, C replaced by T.
Protein change: p.Leu1357Phe; replaces leucine 1357 with phenylalanine.
Molecular consequence: missense variant.
Genome position (GRCh38, 1-based): chr7:1,480,322, G>A on the plus strand (C>T on the coding strand, the complement: INTS1 is on the minus strand). VCF-style: chr7-1480322-G-A. GRCh37 (hg19) VCF-style: chr7-1519958-G-A.
Other names: short protein forms L1357F.
Identifiers: ClinVar variation 4055893 (VCV004055893.1).